The following is an entry in ClinVar:

NM_001375380.1(EBF3):c.1370A>G (p.Gln457Arg)

Gene: EBF3 (EBF transcription factor 3; minus strand). Cytogenetic location: 10q26.3.
Variant type: single nucleotide variant.
Coding change: c.1370A>G on transcript NM_001375380.1 (MANE Select); coding-DNA position 1370, A replaced by G.
Protein change: p.Gln457Arg; replaces glutamine 457 with arginine.
Molecular consequence: missense variant.
Genome position (GRCh38, 1-based): chr10:129,842,118, T>C on the plus strand (A>G on the coding strand, the complement: EBF3 is on the minus strand). VCF-style: chr10-129842118-T-C. GRCh37 (hg19) VCF-style: chr10-131640382-T-C.
Other names: c.1343A>G, p.Gln448Arg (NM_001005463.3, NM_001375390.1, NM_001375392.1); c.1370A>G, p.Gln457Arg (NM_001375379.1, NM_001375389.1, NM_001375391.1); short protein forms Q448R, Q457R.
Identifiers: ClinVar variation 4281536 (VCV004281536.7).

ClinVar aggregate classification (germline): Uncertain significance (1 of 4 stars; one submission).

gnomAD v4.1: 1 of 1,614,164 alleles (0.000062%); highest among the groups gnomAD compares: Non-Finnish European, 0.000085%; no homozygotes.

Submission:

CeGaT Center for Human Genetics Tuebingen
Classification: Uncertain significance. Last evaluated: 2025-09-01. Review status: criteria provided, single submitter. Criteria: CeGaT Center For Human Genetics Tuebingen Variant Classification Criteria Version 2. Collection method: clinical testing. Allele origin: germline. Affected: yes. Observed: 1 variant allele.
Comment: EBF3: PM2, BP4